The following is an entry in ClinVar:

ClinVar aggregate classification (germline): Uncertain significance (1 of 4 stars; one submission).

Allele frequency attached by ClinVar (database versions not stated): gnomAD exomes below 0.00001.
gnomAD v4.1: 3 of 1,545,366 alleles (0.00019%); highest among the groups gnomAD compares: Middle Eastern, 0.034%; no homozygotes.

Submission:

GeneDx
Classification: Uncertain significance. Last evaluated: 2022-11-02. Review status: criteria provided, single submitter. Criteria: GeneDx Variant Classification Process June 2021. Collection method: clinical testing. Allele origin: germline. Affected: yes.
Comment: Not observed at significant frequency in large population cohorts (gnomAD); In silico analysis supports that this missense variant has a deleterious effect on protein structure/function; Has not been previously published as pathogenic or benign to our knowledge

NM_001145026.2(PTPRQ):c.4693A>G (p.Ile1565Val)

Gene: PTPRQ (protein tyrosine phosphatase receptor type Q; plus strand). Cytogenetic location: 12q21.31.
Variant type: single nucleotide variant.
Coding change: c.4693A>G on transcript NM_001145026.2 (MANE Select); coding-DNA position 4693, A replaced by G.
Protein change: p.Ile1565Val; replaces isoleucine 1565 with valine.
Molecular consequence: missense variant.
Genome position (GRCh38, 1-based): chr12:80,605,142, A>G. VCF-style: chr12-80605142-A-G. GRCh37 (hg19) VCF-style: chr12-80998921-A-G.
Other names: short protein forms I1565V.
Identifiers: ClinVar variation 2501599 (VCV002501599.1), dbSNP rs1188079722, ClinGen allele CA385938936.